The following is an entry in ClinVar:

ClinVar aggregate classification (germline): Uncertain significance (1 of 4 stars; one submission).

Allele frequency attached by ClinVar (database versions not stated): gnomAD exomes below 0.00001; ExAC 0.00001.
gnomAD v4.1: 1 of 1,614,122 alleles (0.000062%); highest among the groups gnomAD compares: Non-Finnish European, 0.000085%; no homozygotes.

Submission:

Labcorp Genetics (formerly Invitae), Labcorp
Classification: Uncertain significance. Last evaluated: 2025-01-06. Review status: criteria provided, single submitter. Criteria: Invitae Variant Classification Sherloc (09022015). Collection method: clinical testing. Allele origin: germline.
Comment: This sequence change replaces histidine, which is basic and polar, with tyrosine, which is neutral and polar, at codon 3127 of the CPLANE1 protein (p.His3127Tyr). This variant is present in population databases (rs748587449, gnomAD 0.0009%). This variant has not been reported in the literature in individuals affected with CPLANE1-related conditions. ClinVar contains an entry for this variant (Variation ID: 2019991). Invitae Evidence Modeling of protein sequence and biophysical properties (such as structural, functional, and spatial information, amino acid conservation, physicochemical variation, residue mobility, and thermodynamic stability) indicates that this missense variant is not expected to disrupt CPLANE1 protein function with a negative predictive value of 95%. In summary, the available evidence is currently insufficient to determine the role of this variant in disease. Therefore, it has been classified as a Variant of Uncertain Significance.

NM_001384732.1(CPLANE1):c.9541C>T (p.His3181Tyr)

Gene: CPLANE1 (ciliogenesis and planar polarity effector complex subunit 1; minus strand). Cytogenetic location: 5p13.2.
Variant type: single nucleotide variant.
Coding change: c.9541C>T on transcript NM_001384732.1 (MANE Select); coding-DNA position 9541, C replaced by T.
Protein change: p.His3181Tyr; replaces histidine 3181 with tyrosine.
Molecular consequence: missense variant.
Genome position (GRCh38, 1-based): chr5:37,108,331, G>A on the plus strand (C>T on the coding strand, the complement: CPLANE1 is on the minus strand). VCF-style: chr5-37108331-G-A. GRCh37 (hg19) VCF-style: chr5-37108433-G-A.
Other names: c.9379C>T, p.His3127Tyr (NM_023073.4); short protein forms H3127Y, H3181Y.
Identifiers: ClinVar variation 2019991 (VCV002019991.4), dbSNP rs748587449, ClinGen allele CA3237431.